The following is an entry in ClinVar:

ClinVar aggregate classification (germline): Uncertain significance (1 of 4 stars; one submission).

Allele frequency attached by ClinVar (database versions not stated): TOPMed below 0.00001; ExAC 0.00001; gnomAD 0.00001; ESP Exome Variant Server 0.00008; gnomAD exomes 0.00001.
gnomAD v4.1: 21 of 1,604,282 alleles (0.0013%); highest among the groups gnomAD compares: Non-Finnish European, 0.0018%; no homozygotes.

Submission:

Labcorp Genetics (formerly Invitae), Labcorp
Classification: Uncertain significance. Last evaluated: 2020-01-23. Review status: criteria provided, single submitter. Criteria: Invitae Variant Classification Sherloc (09022015). Collection method: clinical testing. Allele origin: germline.
Comment: This sequence change falls in intron 27 of the TTLL5 gene. It does not directly change the encoded amino acid sequence of the TTLL5 protein, but it affects a nucleotide within the consensus splice site of the intron. This variant is present in population databases (rs374699458, ExAC 0.002%). This variant has not been reported in the literature in individuals with TTLL5-related conditions. Nucleotide substitutions within the consensus splice site are a relatively common cause of aberrant splicing (PMID: 17576681, 9536098). Algorithms developed to predict the effect of sequence changes on RNA splicing suggest that this variant may disrupt the consensus splice site, but this prediction has not been confirmed by published transcriptional studies. In summary, the available evidence is currently insufficient to determine the role of this variant in disease. Therefore, it has been classified as a Variant of Uncertain Significance.

Literature cited by the submitters: PubMed 17576681; PubMed 9536098.

NM_015072.5(TTLL5):c.3171+5G>A

Gene: TTLL5 (tubulin tyrosine ligase like 5; plus strand). Cytogenetic location: 14q24.3.
Variant type: single nucleotide variant.
Coding change: c.3171+5G>A on transcript NM_015072.5 (MANE Select); 5 bases into the intron after coding-DNA position 3171, G replaced by A.
Molecular consequence: intron variant.
Genome position (GRCh38, 1-based): chr14:75,793,105, G>A. VCF-style: chr14-75793105-G-A. GRCh37 (hg19) VCF-style: chr14-76259448-G-A.
Identifiers: ClinVar variation 1015339 (VCV001015339.2), dbSNP rs374699458, ClinGen allele CA7279910.